The following is an entry in ClinVar:

ClinVar aggregate classification (germline): Uncertain significance (1 of 4 stars; one submission).

Conditions:
Lenz-Majewski hyperostosis syndrome (LMHD). Also called: Lenz-Majewski hyperostotic dysplasia; Multiple congenital anomalies, mental retardation and progressive skeletal sclerosis; Hyperostotic dwarfism Lenz-Majewski type; LENZ-MAJEWSKI SYNDROME; PTDSS1-Related Lenz-Majewski Hyperostotic Dysplasia. Identifiers: Orphanet 2658, MedGen C0432269, MONDO:0007892, OMIM 151050.

Submission:

Laboratorio de Genetica e Diagnostico Molecular, Hospital Israelita Albert Einstein
Classification: Uncertain significance for Lenz-Majewski hyperostosis syndrome. Last evaluated: 2024-07-30. Review status: criteria provided, single submitter. Criteria: ACMG Guidelines, 2015. Collection method: clinical testing. Allele origin: germline. Affected: yes.
Comment: ACMG classification criteria: PM2 supporting, BP4 supporting

NM_014754.3(PTDSS1):c.1301A>G (p.Lys434Arg)

Gene: PTDSS1 (phosphatidylserine synthase 1; plus strand). Cytogenetic location: 8q22.1.
Variant type: single nucleotide variant.
Coding change: c.1301A>G on transcript NM_014754.3 (MANE Select); coding-DNA position 1301, A replaced by G.
Protein change: p.Lys434Arg; replaces lysine 434 with arginine.
Molecular consequence: missense variant.
Genome position (GRCh38, 1-based): chr8:96,331,084, A>G. VCF-style: chr8-96331084-A-G. GRCh37 (hg19) VCF-style: chr8-97343312-A-G.
Other names: c.863A>G, p.Lys288Arg (NM_001290225.2); short protein forms K288R, K434R.
Identifiers: ClinVar variation 4076269 (VCV004076269.1).